The following is an entry in ClinVar:

NM_000718.4(CACNA1B):c.6011G>A (p.Arg2004His)

Gene: CACNA1B (calcium voltage-gated channel subunit alpha1 B; plus strand). Cytogenetic location: 9q34.3.
Variant type: single nucleotide variant.
Coding change: c.6011G>A on transcript NM_000718.4 (MANE Select); coding-DNA position 6011, G replaced by A.
Protein change: p.Arg2004His; replaces arginine 2004 with histidine.
Molecular consequence: missense variant.
Genome position (GRCh38, 1-based): chr9:138,118,749, G>A. VCF-style: chr9-138118749-G-A. GRCh37 (hg19) VCF-style: chr9-141013201-G-A.
Other names: c.6011G>A, p.Arg2004His (NM_001243812.2); short protein forms R2004H.
Identifiers: ClinVar variation 3251112 (VCV003251112.18), dbSNP rs200816756.

ClinVar aggregate classification (germline): Uncertain significance (1 of 4 stars; one submission).

Allele frequency attached by ClinVar (database versions not stated): TOPMed below 0.00001.
gnomAD v4.1: 14 of 1,522,522 alleles (0.00092%); highest among the groups gnomAD compares: East Asian, 0.0049%; no homozygotes.

Submission:

CeGaT Center for Human Genetics Tuebingen
Classification: Uncertain significance. Last evaluated: 2024-06-01. Review status: criteria provided, single submitter. Criteria: CeGaT Center For Human Genetics Tuebingen Variant Classification Criteria Version 2. Collection method: clinical testing. Allele origin: germline. Affected: yes. Observed: 1 variant allele.
Comment: CACNA1B: PM2, PP3